The following is an entry in ClinVar:

ClinVar aggregate classification (germline): Uncertain significance. Review status: criteria provided, multiple submitters, no conflicts (2 of 4 stars). 2 submissions from 2 submitters: Uncertain significance (2). Last evaluated 2021-06-19.

Conditions:
Breast-ovarian cancer, familial, susceptibility to, 3. Also called: RAD51C-Related Breast/Ovarian Cancer. Identifiers: Orphanet 145, MedGen C3150659, MONDO:0013253, OMIM 613399.
Fanconi anemia complementation group O. Also called: RAD51C-Related Fanconi Anemia. Identifiers: Orphanet 84, MedGen C3150653, MONDO:0013248, OMIM 613390.

Submissions (2):

Labcorp Genetics (formerly Invitae), Labcorp
Classification: Uncertain significance for Fanconi anemia complementation group O. Last evaluated: 2021-06-19. Review status: criteria provided, single submitter. Criteria: Invitae Variant Classification Sherloc (09022015). Collection method: clinical testing. Allele origin: germline.
Comment: In summary, the available evidence is currently insufficient to determine the role of this variant in disease. Therefore, it has been classified as a Variant of Uncertain Significance. Algorithms developed to predict the effect of missense changes on protein structure and function (SIFT, PolyPhen-2, Align-GVGD) all suggest that this variant is likely to be disruptive, but these predictions have not been confirmed by published functional studies and their clinical significance is uncertain. This variant has been observed in individual(s) with ovarian cancer who also carried a pathogenic BRCA2 mutation (PMID: 26740214). This variant is not present in population databases (ExAC no frequency). This sequence change replaces valine with alanine at codon 142 of the RAD51C protein (p.Val142Ala). The valine residue is highly conserved and there is a small physicochemical difference between valine and alanine.

Hereditary Cancer Group, L’Institut d'Investigació Biomèdica de Bellvitge
Classification: Uncertain significance for Breast-ovarian cancer, familial, susceptibility to, 3. Last evaluated: 2021-05-03. Review status: criteria provided, single submitter. Criteria: ACMG Guidelines, 2015. Collection method: curation. Allele origin: germline.

Literature cited by the submitters: PubMed 26740214 (cited by Labcorp Genetics (formerly Invitae), Labcorp and Hereditary Cancer Group, L’Institut d'Investigació Biomèdica de Bellvitge).

NM_058216.3(RAD51C):c.425T>C (p.Val142Ala)

Gene: RAD51C (RAD51 paralog C; plus strand). Cytogenetic location: 17q22.
Variant type: single nucleotide variant.
Coding change: c.425T>C on transcript NM_058216.3 (MANE Select); coding-DNA position 425, T replaced by C.
Protein change: p.Val142Ala; replaces valine 142 with alanine.
Molecular consequence: missense variant.
Genome position (GRCh38, 1-based): chr17:58,696,713, T>C. VCF-style: chr17-58696713-T-C. GRCh37 (hg19) VCF-style: chr17-56774074-T-C.
Other names: short protein forms V142A.
Identifiers: ClinVar variation 1098894 (VCV001098894.9), dbSNP rs2143744027, ClinGen allele CA400343948.